The following is an entry in ClinVar:

ClinVar aggregate classification (germline): Uncertain significance. Review status: criteria provided, multiple submitters, no conflicts (2 of 4 stars). 5 submissions from 5 submitters: Uncertain significance (5). Last evaluated 2024-10-30.

Conditions:
Inborn genetic diseases. Identifiers: MedGen C0950123, MeSH D030342.
DNAJC6-related disorder. Also called: DNAJC6-Related Disorders; DNAJC6-related condition.
Juvenile onset Parkinson disease 19A. Also called: DNAJC6 Parkinson Disease; PARK19. Identifiers: Orphanet 391411, MedGen C3809811, MONDO:0014231, OMIM 615528.

Allele frequency attached by ClinVar (database versions not stated): TOPMed 0.00014; ESP Exome Variant Server 0.00015; gnomAD 0.00015; 1000 Genomes Project 30x 0.00016; 1000 Genomes Project 0.00020; gnomAD exomes 0.00027; ExAC 0.00036.
gnomAD v4.1: 540 of 1,614,178 alleles (0.033%); highest among the groups gnomAD compares: Non-Finnish European, 0.044%; no homozygotes.

Submissions (5):

PreventionGenetics, part of Exact Sciences
Classification: Uncertain significance for DNAJC6-related condition. Last evaluated: 2024-10-30. Review status: criteria provided, single submitter. Criteria: ACMG Guidelines, 2015. Collection method: clinical testing. Allele origin: germline.
Comment: The DNAJC6 c.1070T>C variant is predicted to result in the amino acid substitution p.Met357Thr. To our knowledge, this variant has not been reported in the literature. This variant is reported in 0.052% of alleles in individuals of European (Non-Finnish) descent in gnomAD. Although we suspect that this variant may be benign, at this time, the clinical significance of this variant is uncertain due to the absence of conclusive functional and genetic evidence.

Labcorp Genetics (formerly Invitae), Labcorp
Classification: Uncertain significance for Juvenile onset Parkinson disease 19A. Last evaluated: 2024-02-17. Review status: criteria provided, single submitter. Criteria: Invitae Variant Classification Sherloc (09022015). Collection method: clinical testing. Allele origin: germline.
Comment: This sequence change replaces methionine, which is neutral and non-polar, with threonine, which is neutral and polar, at codon 357 of the DNAJC6 protein (p.Met357Thr). This variant is present in population databases (rs201840876, gnomAD 0.05%). This variant has not been reported in the literature in individuals affected with DNAJC6-related conditions. ClinVar contains an entry for this variant (Variation ID: 1176504). An algorithm developed to predict the effect of missense changes on protein structure and function (PolyPhen-2) suggests that this variant¬†is likely to be tolerated. In summary, the available evidence is currently insufficient to determine the role of this variant in disease. Therefore, it has been classified as a Variant of Uncertain Significance.

Genome-Nilou Lab
Classification: Uncertain significance for Juvenile onset Parkinson disease 19A. Last evaluated: 2023-04-11. Review status: criteria provided, single submitter. Criteria: ACMG Guidelines, 2015. Collection method: clinical testing. Allele origin: germline. Affected: no.

Ambry Genetics
Classification: Uncertain significance for Inborn genetic diseases. Last evaluated: 2022-01-27. Review status: criteria provided, single submitter. Criteria: Ambry Variant Classification Scheme 2023. Collection method: clinical testing. Allele origin: germline.

CeGaT Center for Human Genetics Tuebingen
Classification: Uncertain significance. Last evaluated: 2021-05-01. Review status: criteria provided, single submitter. Criteria: CeGaT Center For Human Genetics Tuebingen Variant Classification Criteria Version 2. Collection method: clinical testing. Allele origin: germline. Affected: yes. Observed: 1 variant allele.

NM_001256864.2(DNAJC6):c.1070T>C (p.Met357Thr)

Gene: DNAJC6 (DnaJ heat shock protein family (Hsp40) member C6; plus strand). Cytogenetic location: 1p31.3.
Variant type: single nucleotide variant.
Coding change: c.1070T>C on transcript NM_001256864.2 (MANE Select); coding-DNA position 1070, T replaced by C.
Protein change: p.Met357Thr; replaces methionine 357 with threonine.
Molecular consequence: missense variant.
Genome position (GRCh38, 1-based): chr1:65,386,886, T>C. VCF-style: chr1-65386886-T-C. GRCh37 (hg19) VCF-style: chr1-65852569-T-C.
Other names: c.899T>C (NM_014787.2); c.860T>C, p.Met287Thr (NM_001256865.2); c.899T>C, p.Met300Thr (NM_014787.4); c.1070T>C (NM_001256864.1); short protein forms M287T, M300T, M357T.
Identifiers: ClinVar variation 1176504 (VCV001176504.43), dbSNP rs201840876, ClinGen allele CA893829.
Genomic context (GRCh38, chr1:65,386,886, plus strand): 5'-AAGATGGAAAAATCTTCATTCCCTTGAACATCACTGTGCAAGGAGACGTGGTTGTTTCCA[T>C]GTATCACTTGAGGTCAACCATTGGGAGCCGGCTACAGGCTAAGGTATGGTTTTTGGAAGA-3'
Protein context (NP_001243793.1, residues 347-367): ITVQGDVVVS[Met357Thr]YHLRSTIGSR